The following is an entry in ClinVar:

NM_004958.4(MTOR):c.4550C>T (p.Ala1517Val)

Gene: MTOR (mechanistic target of rapamycin kinase; minus strand). Cytogenetic location: 1p36.22.
Variant type: single nucleotide variant.
Coding change: c.4550C>T on transcript NM_004958.4 (MANE Select); coding-DNA position 4550, C replaced by T.
Protein change: p.Ala1517Val; replaces alanine 1517 with valine.
Molecular consequence: missense variant.
Genome position (GRCh38, 1-based): chr1:11,150,146, G>A on the plus strand (C>T on the coding strand, the complement: MTOR is on the minus strand). VCF-style: chr1-11150146-G-A. GRCh37 (hg19) VCF-style: chr1-11210203-G-A.
Other names: c.4550C>T, p.Ala1517Val (NM_001386500.1); c.3302C>T, p.Ala1101Val (NM_001386501.1); short protein forms A1101V, A1517V.
Identifiers: ClinVar variation 3771641 (VCV003771641.13).

ClinVar aggregate classification (germline): Likely pathogenic (1 of 4 stars; one submission).

Submission:

CeGaT Center for Human Genetics Tuebingen
Classification: Likely pathogenic. Last evaluated: 2025-02-01. Review status: criteria provided, single submitter. Criteria: CeGaT Center For Human Genetics Tuebingen Variant Classification Criteria Version 2. Collection method: clinical testing. Allele origin: germline. Affected: yes. Observed: 1 variant allele.
Comment: MTOR: PM1, PM2, PS2:Moderate, PP2